The following is an entry in ClinVar:

NM_020821.3(VPS13C):c.1699C>T (p.Arg567Ter)

Gene: VPS13C (vacuolar protein sorting 13 homolog C; minus strand). Cytogenetic location: 15q22.2.
Variant type: single nucleotide variant.
Coding change: c.1699C>T on transcript NM_020821.3 (MANE Select); coding-DNA position 1699, C replaced by T.
Protein change: p.Arg567Ter; replaces arginine 567 with a stop codon.
Molecular consequence: nonsense.
Genome position (GRCh38, 1-based): chr15:61,984,879, G>A on the plus strand (C>T on the coding strand, the complement: VPS13C is on the minus strand). VCF-style: chr15-61984879-G-A. GRCh37 (hg19) VCF-style: chr15-62277078-G-A.
Other names: c.1699C>T, p.Arg567Ter (NM_001018088.3); c.1570C>T, p.Arg524Ter (NM_017684.5, NM_018080.4); short protein forms R567*, R524*.
Identifiers: ClinVar variation 1475475 (VCV001475475.8), dbSNP rs1316948611, ClinGen allele CA392683522.

ClinVar aggregate classification (germline): Pathogenic/Likely pathogenic. Review status: criteria provided, multiple submitters, no conflicts (2 of 4 stars). 2 submissions from 2 submitters: Pathogenic (1); Likely pathogenic (1). Last evaluated 2025-02-21.

Allele frequency attached by ClinVar (database versions not stated): gnomAD exomes below 0.00001; TOPMed 0.00001; gnomAD 0.00002.
gnomAD v4.1: 9 of 1,612,926 alleles (0.00056%); highest among the groups gnomAD compares: Admixed American, 0.0017%; no homozygotes.

Submissions (2):

Dasa
Classification: Likely pathogenic. Last evaluated: 2025-02-21. Review status: criteria provided, single submitter. Criteria: DASA Assertion Criteria. Collection method: clinical testing. Allele origin: germline.
Comment: NM_020821.3(VPS13C):c.1699C>T (p.Arg567*) is a nonsense variant in VPS13C predicted to introduce a premature termination codon and is predicted to result in an absent or altered protein product. Loss of function is an established disease mechanism for VPS13C-associated disorders. Also, this variant is rare in population databases. Based on the currently available evidence, this variant is classified as likely pathogenic.

Labcorp Genetics (formerly Invitae), Labcorp
Classification: Pathogenic. Last evaluated: 2024-04-17. Review status: criteria provided, single submitter. Criteria: Invitae Variant Classification Sherloc (09022015). Collection method: clinical testing. Allele origin: germline.
Comment: This sequence change creates a premature translational stop signal (p.Arg567*) in the VPS13C gene. It is expected to result in an absent or disrupted protein product. Loss-of-function variants in VPS13C are known to be pathogenic (PMID: 26942284, 34875562). This variant is present in population databases (no rsID available, gnomAD 0.002%). This variant has not been reported in the literature in individuals affected with VPS13C-related conditions. ClinVar contains an entry for this variant (Variation ID: 1475475). For these reasons, this variant has been classified as Pathogenic.

Literature cited by the submitters: PubMed 26942284 (cited by Labcorp Genetics (formerly Invitae), Labcorp); PubMed 34875562 (cited by Labcorp Genetics (formerly Invitae), Labcorp).